The following is an entry in ClinVar:

ClinVar aggregate classification (germline): Likely benign. Review status: criteria provided, multiple submitters, no conflicts (2 of 4 stars). 2 submissions from 2 submitters: Likely benign (2). Last evaluated 2023-08-10.

Conditions:
Familial thoracic aortic aneurysm and aortic dissection (TAAD). Also called: Thoracic aortic aneurysms and dissections. Identifiers: Orphanet 91387, MedGen C4707243, MONDO:0019625.
Loeys-Dietz syndrome 2 (LDS2). Also called: Marfan Syndrome type 2; Marfan like connective tissue disorder; MFS 2; TGFBR2-Related Loeys-Dietz Syndrome; Marfan syndrome, type 2 (formerly); AORTIC ANEURYSM, FAMILIAL THORACIC 3. Identifiers: Orphanet 284973, Orphanet 558, MedGen C2674574, MONDO:0012427, OMIM 610168.

Allele frequency attached by ClinVar (database versions not stated): gnomAD exomes below 0.00001; TOPMed below 0.00001.
gnomAD v4.1: 2 of 1,614,114 alleles (0.00012%); highest among the groups gnomAD compares: East Asian, 0.0022%; no homozygotes.

Submissions (2):

Labcorp Genetics (formerly Invitae), Labcorp
Classification: Likely benign for Familial thoracic aortic aneurysm and aortic dissection. Last evaluated: 2023-08-10. Review status: criteria provided, single submitter. Criteria: Invitae Variant Classification Sherloc (09022015). Collection method: clinical testing. Allele origin: germline.

All of Us Research Program, National Institutes of Health
Classification: Likely benign for Loeys-Dietz syndrome 2. Last evaluated: 2023-06-26. Review status: criteria provided, single submitter. Criteria: ACMG Guidelines, 2015. Collection method: clinical testing. Allele origin: germline. Inheritance: Autosomal dominant inheritance. Observed: 1 variant allele, 1 heterozygote.
Comment: This study involves interpretation of variants in research participants for the purpose of population health screening. Participant phenotype was not available at the time of variant classification. Additional details can be found in publication PMID: 35346344, PMCID: PMC8962531

NM_003242.6(TGFBR2):c.147A>G (p.Gln49=)

Gene: TGFBR2 (transforming growth factor beta receptor 2; plus strand). Cytogenetic location: 3p24.1.
Variant type: single nucleotide variant.
Coding change: c.147A>G on transcript NM_003242.6 (MANE Select); coding-DNA position 147, A replaced by G.
Protein change: p.Gln49=; no amino-acid change (glutamine 49 retained).
Molecular consequence: synonymous variant. On other transcripts: intron variant (2).
Genome position (GRCh38, 1-based): chr3:30,644,799, A>G. VCF-style: chr3-30644799-A-G. GRCh37 (hg19) VCF-style: chr3-30686291-A-G.
Other names: c.222A>G, p.Gln74= (NM_001024847.3, NM_001407126.1, NM_001407139.1); c.147A>G, p.Gln49= (NM_001407127.1, NM_001407130.1); c.174A>G, p.Gln58= (NM_001407128.1); c.42A>G, p.Gln14= (NM_001407129.1, NM_001407132.1, NM_001407133.1 and 3 more transcripts); c.169+21526A>G (NM_001407137.1); c.95-26839A>G (NM_001407138.1).
Identifiers: ClinVar variation 2872153 (VCV002872153.4), dbSNP rs546802568, ClinGen allele CA71499915.